The following is an entry in ClinVar:

ClinVar aggregate classification (germline): Likely benign. Review status: criteria provided, single submitter (1 of 4 stars). 2 submissions from 2 submitters: Likely benign (1). 1 of the submissions does not count toward it. Last evaluated 2025-12-14.

Conditions:
FRAS1-related disorder. Also called: FRAS1-related condition.

Allele frequency attached by ClinVar (database versions not stated): ExAC 0.00003; gnomAD 0.00015; TOPMed 0.00016; ESP Exome Variant Server 0.00016.
gnomAD v4.1: 57 of 1,613,444 alleles (0.0035%); highest among the groups gnomAD compares: African/African-American, 0.048%; no homozygotes.

Submissions (2):

Labcorp Genetics (formerly Invitae), Labcorp
Classification: Likely benign. Last evaluated: 2025-12-14. Review status: criteria provided, single submitter. Criteria: Invitae Variant Classification Sherloc (09022015). Collection method: clinical testing. Allele origin: germline.

PreventionGenetics, part of Exact Sciences
Classification: Likely benign for FRAS1-related condition. Last evaluated: 2019-06-07. Review status: no assertion criteria provided. Collection method: clinical testing. Allele origin: germline. Not counted in ClinVar's aggregate classification.
Comment: This variant is classified as likely benign based on ACMG/AMP sequence variant interpretation guidelines (Richards et al. 2015 PMID: 25741868, with internal and published modifications).

NM_025074.7(FRAS1):c.8820T>A (p.Pro2940=)

Gene: FRAS1 (Fraser extracellular matrix complex subunit 1; plus strand). Cytogenetic location: 4q21.21.
Variant type: single nucleotide variant.
Coding change: c.8820T>A on transcript NM_025074.7 (MANE Select); coding-DNA position 8820, T replaced by A.
Protein change: p.Pro2940=; no amino-acid change (proline 2940 retained).
Molecular consequence: synonymous variant.
Genome position (GRCh38, 1-based): chr4:78,488,942, T>A. VCF-style: chr4-78488942-T-A. GRCh37 (hg19) VCF-style: chr4-79410096-T-A.
Other names: c.8820T>A (NM_025074.6).
Identifiers: ClinVar variation 2722408 (VCV002722408.5), dbSNP rs367907173, ClinGen allele CA2978498.